The following is an entry in ClinVar:

ClinVar aggregate classification (germline): Benign. Review status: criteria provided, multiple submitters, no conflicts (2 of 4 stars). 15 submissions from 14 submitters: Benign (11). 4 of the submissions do not count toward it. Last evaluated 2026-02-04.

Conditions:
Glaucoma 1, open angle, E. Identifiers: MedGen C1842026, MONDO:0007665.
Primary open angle glaucoma (POAG). Also called: OPTN-related open angle glaucoma. Identifiers: MedGen C0339573, MONDO:0100553, OMIM 137760.
Amyotrophic lateral sclerosis type 12 (ALS12). Also called: AMYOTROPHIC LATERAL SCLEROSIS 12 WITH OR WITHOUT FRONTOTEMPORAL DEMENTIA. Identifiers: Orphanet 803, MedGen C3150692, MONDO:0013264, OMIM 613435.

Allele frequency attached by ClinVar (database versions not stated): 1000 Genomes Project 0.80391; gnomAD exomes 0.80575 and 0.81675; 1000 Genomes Project 30x 0.80700; gnomAD 0.80823 and 0.80844; ExAC 0.81556; ESP Exome Variant Server 0.81893; TOPMed 0.82281.
gnomAD v4.1: 1,283,652 of 1,591,242 alleles (81%); highest among the groups gnomAD compares: Middle Eastern, 94%; 519,174 homozygotes.

Submissions (15):

Labcorp Genetics (formerly Invitae), Labcorp
Classification: Benign for Primary open angle glaucoma; Glaucoma 1, open angle, E; Amyotrophic lateral sclerosis type 12. Last evaluated: 2026-02-04. Review status: criteria provided, single submitter. Criteria: Invitae Variant Classification Sherloc (09022015). Collection method: clinical testing. Allele origin: germline.

Blueprint Genetics
Classification: Benign. Last evaluated: 2024-11-27. Review status: criteria provided, single submitter. Criteria: ACMG Guidelines, 2015. Collection method: clinical testing. Allele origin: germline.

Genome-Nilou Lab
Classification: Benign for Primary open angle glaucoma. Last evaluated: 2021-09-05. Review status: criteria provided, single submitter. Criteria: ACMG Guidelines, 2015. Collection method: clinical testing. Allele origin: germline. Affected: no.

Illumina Laboratory Services, Illumina
Classification: Benign for Primary open angle glaucoma. Last evaluated: 2018-03-06. Review status: criteria provided, single submitter. Criteria: ICSL Variant Classification Criteria 13 December 2019. Collection method: clinical testing. Allele origin: germline.
Comment: This variant was observed in the ICSL laboratory as part of a predisposition screen in an ostensibly healthy population. It had not been previously curated by ICSL or reported in the Human Gene Mutation Database (HGMD: prior to June 1st, 2018), and was therefore a candidate for classification through an automated scoring system. Utilizing variant allele frequency, disease prevalence and penetrance estimates, and inheritance mode, an automated score was calculated to assess if this variant is too frequent to cause the disease. Based on the score and internal cut-off values, a variant classified as benign is not then subjected to further curation. The score for this variant resulted in a classification of benign for this disease.

Illumina Laboratory Services, Illumina
Classification: Benign for Amyotrophic lateral sclerosis type 12. Last evaluated: 2018-03-06. Review status: criteria provided, single submitter. Criteria: ICSL Variant Classification Criteria 13 December 2019. Collection method: clinical testing. Allele origin: germline.
Comment: the same text as in the submission from Illumina Laboratory Services, Illumina above.

Mayo Clinic Laboratories, Mayo Clinic
Classification: Benign. Last evaluated: 2017-10-11. Review status: criteria provided, single submitter. Criteria: ACMG Guidelines, 2015. Collection method: clinical testing. Allele origin: germline. Observed: 1,351 variant alleles.

Athena Diagnostics
Classification: Benign. Last evaluated: 2017-07-21. Review status: criteria provided, single submitter. Criteria: Athena Diagnostics Criteria. Collection method: clinical testing. Allele origin: germline.

GeneDx
Classification: Benign. Last evaluated: 2015-03-03. Review status: criteria provided, single submitter. Criteria: GeneDx Variant Classification Process June 2021. Collection method: clinical testing. Allele origin: germline. Affected: yes.
Comment: This variant is associated with the following publications: (PMID: 15312511)

Eurofins Ntd Llc (ga)
Classification: Benign. Last evaluated: 2014-05-08. Review status: criteria provided, single submitter. Criteria: EGL Classification Definitions 2015. Collection method: clinical testing. Allele origin: germline. Observed: 3 variant alleles, 3 homozygotes.

Breakthrough Genomics
Classification: Benign. Review status: criteria provided, single submitter. Criteria: ACMG Guidelines, 2015. Collection method: not provided. Allele origin: germline. Inheritance: Autosomal recessive inheritance. Affected: yes.

PreventionGenetics, part of Exact Sciences
Classification: Benign. Review status: criteria provided, single submitter. Criteria: ACMG Guidelines, 2015. Collection method: clinical testing. Allele origin: germline.

Clinical Genetics DNA and cytogenetics Diagnostics Lab, Erasmus MC, Erasmus Medical Center
Classification: Benign. Review status: no assertion criteria provided. Collection method: clinical testing. Allele origin: germline. Affected: yes. Study: VKGL Data-share Consensus. Not counted in ClinVar's aggregate classification.

Clinical Genetics, Academic Medical Center
Classification: Benign. Review status: no assertion criteria provided. Collection method: clinical testing. Allele origin: germline. Affected: yes. Study: VKGL Data-share Consensus. Not counted in ClinVar's aggregate classification.

Diagnostic Laboratory, Department of Genetics, University Medical Center Groningen
Classification: Benign. Review status: no assertion criteria provided. Collection method: clinical testing. Allele origin: germline. Affected: yes. Study: VKGL Data-share Consensus. Not counted in ClinVar's aggregate classification.

Genome Diagnostics Laboratory, Amsterdam University Medical Center
Classification: Benign. Review status: no assertion criteria provided. Collection method: clinical testing. Allele origin: germline. Affected: yes. Study: VKGL Data-share Consensus. Not counted in ClinVar's aggregate classification.

NM_001008212.2(OPTN):c.553-5C>T

Gene: OPTN (optineurin; plus strand). Cytogenetic location: 10p13.
Variant type: single nucleotide variant.
Coding change: c.553-5C>T on transcript NM_001008212.2 (MANE Select); 5 bases into the intron before coding-DNA position 553, C replaced by T.
Molecular consequence: intron variant.
Genome position (GRCh38, 1-based): chr10:13,116,262, C>T. VCF-style: chr10-13116262-C-T. GRCh37 (hg19) VCF-style: chr10-13158262-C-T.
Other names: p.?; c.553-5C>T (NM_001008211.1, NM_001008213.1, NM_021980.4).
Identifiers: ClinVar variation 197846 (VCV000197846.34), dbSNP rs2244380, ClinGen allele CA203121.